The following is an entry in ClinVar:

NM_000260.4(MYO7A):c.2699G>T (p.Arg900Leu)

Gene: MYO7A (myosin VIIA; plus strand). Cytogenetic location: 11q13.5.
Variant type: single nucleotide variant.
Coding change: c.2699G>T on transcript NM_000260.4 (MANE Select); coding-DNA position 2699, G replaced by T.
Protein change: p.Arg900Leu; replaces arginine 900 with leucine.
Molecular consequence: missense variant.
Genome position (GRCh38, 1-based): chr11:77,181,384, G>T. VCF-style: chr11-77181384-G-T. GRCh37 (hg19) VCF-style: chr11-76892430-G-T.
Other names: c.2699G>T, p.Arg900Leu (NM_001127180.2); c.2666G>T, p.Arg889Leu (NM_001369365.1); short protein forms R889L, R900L.
Identifiers: ClinVar variation 3376697 (VCV003376697.1).

ClinVar aggregate classification (germline): Uncertain significance (1 of 4 stars; one submission).

Conditions:
Autosomal dominant nonsyndromic hearing loss 11. Identifiers: Orphanet 90635, MedGen C1832475, MONDO:0011032, OMIM 601317.

gnomAD v4.1: 13 of 1,561,432 alleles (0.00083%); highest among the groups gnomAD compares: Non-Finnish European, 0.00087%; no homozygotes.

Submission:

Victorian Clinical Genetics Services, Murdoch Childrens Research Institute
Classification: Uncertain significance for Autosomal dominant nonsyndromic hearing loss 11. Last evaluated: 2022-02-02. Review status: criteria provided, single submitter. Criteria: ACMG Guidelines, 2015. Collection method: clinical testing. Allele origin: germline. Inheritance: Autosomal dominant inheritance. Affected: yes.
Comment: Based on the classification scheme VCGS_Germline_v1.3.4, this variant is classified as VUS-3B. Following criteria are met: 0102 - Loss of function is a known mechanism of disease in this gene and is associated with deafness autosomal dominant 11 (MIM#601317), deafness autosomal recessive 2 (MIM#600060) and Usher syndrome, type 1B (MIM#276900). In addition, dominant-negative is the suggested mechanism for missense variants in autosomal dominant inheritance (OMIM, PMID: 23383098). (I) 0108 - This gene is associated with both recessive and dominant disease. While the genotype-phenotype correlation is unestablished, missense variants causing autosomal dominance inheritance are rare and are not localised to a specific protein region (OMIM). (I) 0200 - Variant is predicted to result in a missense amino acid change from arginine to leucine. (I) 0251 - This variant is heterozygous. (I) 0302 - Variant is present in gnomAD (v2) <0.001 for a dominant condition (2 heterozygotes, 0 homozygotes). (SP) 0309 - An alternative amino acid change at the same position has been observed in gnomAD (v2) (highest allele count: 11 heterozygotes, 0 homozygotes). (I) 0501 - Missense variant consistently predicted to be damaging by multiple in silico tools or highly conserved with a major amino acid change. (SP) 0604 - Variant is not located in an established domain, motif, hotspot or informative constraint region. (I) 0710 - Other missense variants comparable to the one identified in this case have inconclusive previous evidence for pathogenicity. The alternative changes to a cysteine and a histidine have been listed as VUS in the Deafness variation database. (I) 0809 - Previous evidence of pathogenicity for this variant is inconclusive. This variant has been listed as VUS in the Deafness variation database. (I) 0905 - No published segregation evidence has been identified for this variant. (I) 1007 - No published functional evidence has been identified for this variant. (I) 1208 - Inheritance information for this variant is not currently available in this individual. (I) Legend: (SP) - Supporting pathogenic, (I) - Information, (SB) - Supporting benign

Literature cited by the submitters: PubMed 23383098.